The following is an entry in ClinVar:

NM_000322.5(PRPH2):c.860_867del (p.Gln287fs)

Gene: PRPH2 (peripherin 2; minus strand). Cytogenetic location: 6p21.1.
Variant type: Deletion.
Coding change: c.860_867del on transcript NM_000322.5 (MANE Select); coding-DNA positions 860 to 867, 8 bases deleted (AGACGTCG; older notation c.860_867delAGACGTCG).
Protein change: p.Gln287fs; shifts the reading frame from glutamine 287.
Molecular consequence: frameshift variant.
Genome position (GRCh38, 1-based): chr6:42,698,469-42,698,476, CGACGTCT deleted on the plus strand (AGACGTCG on the coding strand, the reverse complement: PRPH2 is on the minus strand). VCF-style (leftmost placement, unchanged base first): chr6-42698468-GCGACGTCT-G. GRCh37 (hg19) VCF-style: chr6-42666206-GCGACGTCT-G.
Other names: c.860_867del (NM_000322.4); short protein forms Q287fs.
Identifiers: ClinVar variation 437968 (VCV000437968.6), dbSNP rs1554268546, ClinGen allele CA645509485.

ClinVar aggregate classification (germline): Pathogenic. Review status: criteria provided, single submitter (1 of 4 stars). 3 submissions from 3 submitters: Pathogenic (1). 2 of the submissions do not count toward it. Last evaluated 2024-01-25.

Conditions:
Retinitis pigmentosa (RP). Identifiers: Orphanet 791, MedGen C0035334, MeSH D012174, MONDO:0019200, OMIM 268000. Inheritance: Autosomal dominant, autosomal recessive and X linked inheritance.
PRPH2-related disorder. Also called: PRPH2-related disorders; PRPH2-related condition. Identifiers: MedGen CN239395.

Submissions (3):

Labcorp Genetics (formerly Invitae), Labcorp
Classification: Pathogenic for PRPH2-related disorder. Last evaluated: 2024-01-25. Review status: criteria provided, single submitter. Criteria: Invitae Variant Classification Sherloc (09022015). Collection method: clinical testing. Allele origin: germline.
Comment: This sequence change creates a premature translational stop signal (p.Gln287Profs*11) in the PRPH2 gene. While this is not anticipated to result in nonsense mediated decay, it is expected to disrupt the last 60 amino acid(s) of the PRPH2 protein. This variant is not present in population databases (gnomAD no frequency). This premature translational stop signal has been observed in individual(s) with clinical features of PRPH2-related conditions (PMID: 28041643). ClinVar contains an entry for this variant (Variation ID: 437968). This variant disrupts a region of the PRPH2 protein in which other variant(s) (p.Val332Glu) have been determined to be pathogenic (PMID: 30718709, 32531846; Invitae). This suggests that this is a clinically significant region of the protein, and that variants that disrupt it are likely to be disease-causing. For these reasons, this variant has been classified as Pathogenic.

Leiden Open Variation Database
Classification: Pathogenic. Last evaluated: 2021-01-27. Review status: no assertion criteria provided. Collection method: curation. Allele origin: germline. Affected: yes. Not counted in ClinVar's aggregate classification.
Comment: Curator: Global Variome, with Curator vacancy. Submitter to LOVD: LOVD.

NIHR Bioresource Rare Diseases, University of Cambridge
Classification: Likely pathogenic for Retinitis pigmentosa. Last evaluated: 2015-01-01. Review status: no assertion criteria provided. Collection method: research. Allele origin: unknown. Affected: yes. Observed: 1 variant allele. Not counted in ClinVar's aggregate classification.

Literature cited by the submitters: PubMed 28041643 (cited by 3 submitters); PubMed 30718709 (cited by Labcorp Genetics (formerly Invitae), Labcorp); PubMed 32531846 (cited by Labcorp Genetics (formerly Invitae), Labcorp).